The following is an entry in ClinVar:

NM_139076.3(ABRAXAS1):c.493C>T (p.Pro165Ser)

Gene: ABRAXAS1 (abraxas 1, BRCA1 A complex subunit; minus strand). Cytogenetic location: 4q21.23.
Variant type: single nucleotide variant.
Coding change: c.493C>T on transcript NM_139076.3 (MANE Select); coding-DNA position 493, C replaced by T.
Protein change: p.Pro165Ser; replaces proline 165 with serine.
Molecular consequence: missense variant.
Genome position (GRCh38, 1-based): chr4:83,469,135, G>A on the plus strand (C>T on the coding strand, the complement: ABRAXAS1 is on the minus strand). VCF-style: chr4-83469135-G-A. GRCh37 (hg19) VCF-style: chr4-84390288-G-A.
Other names: c.166C>T, p.Pro56Ser (NM_001345962.2); short protein forms P165S, P56S.
Identifiers: ClinVar variation 1799907 (VCV001799907.2), dbSNP rs778316149, ClinGen allele CA2990531.

ClinVar aggregate classification (germline): Uncertain significance (1 of 4 stars; one submission).

Allele frequency attached by ClinVar (database versions not stated): gnomAD exomes below 0.00001; ExAC 0.00001.
gnomAD v4.1: 4 of 1,613,454 alleles (0.00025%); highest among the groups gnomAD compares: Non-Finnish European, 0.00034%; no homozygotes.

Submission:

Ambry Genetics
Classification: Uncertain significance. Last evaluated: 2021-06-30. Review status: criteria provided, single submitter. Criteria: Ambry Variant Classification Scheme 2023. Collection method: clinical testing. Allele origin: germline.
Comment: The p.P165S variant (also known as c.493C>T), located in coding exon 6 of the FAM175A gene, results from a C to T substitution at nucleotide position 493. The proline at codon 165 is replaced by serine, an amino acid with similar properties. This amino acid position is conserved. In addition, this alteration is predicted to be tolerated by in silico analysis. Since supporting evidence is limited at this time, the clinical significance of this alteration remains unclear.